The following is an entry in ClinVar:

ClinVar aggregate classification (germline): Uncertain significance. Review status: criteria provided, multiple submitters, no conflicts (2 of 4 stars). 2 submissions from 2 submitters: Uncertain significance (2). Last evaluated 2023-11-27.

Conditions:
Hereditary cancer-predisposing syndrome. Also called: Neoplastic Syndromes, Hereditary; Tumor predisposition; Hereditary Cancer Syndrome; Hereditary neoplastic syndrome. Identifiers: Orphanet 140162, MedGen C0027672, MeSH D009386, MONDO:0015356.
Familial adenomatous polyposis 1 (FAP1). Also called: FAMILIAL ADENOMATOUS POLYPOSIS 1, ATTENUATED; POLYPOSIS, ADENOMATOUS INTESTINAL. Identifiers: MedGen C2713442, MONDO:0021056, OMIM 175100. Disease mechanism: loss of function.

Allele frequency attached by ClinVar (database versions not stated): gnomAD exomes below 0.00001.
gnomAD v4.1: 1 of 1,613,706 alleles (0.000062%); highest among the groups gnomAD compares: Admixed American, 0.0017%; no homozygotes.

Submissions (2):

Baylor Genetics
Classification: Uncertain significance for Familial adenomatous polyposis 1. Last evaluated: 2023-11-27. Review status: criteria provided, single submitter. Criteria: ACMG Guidelines, 2015. Collection method: clinical testing. Allele origin: unknown.

Ambry Genetics
Classification: Uncertain significance for Hereditary cancer-predisposing syndrome. Last evaluated: 2020-03-26. Review status: criteria provided, single submitter. Criteria: Ambry Variant Classification Scheme 2023. Collection method: clinical testing. Allele origin: germline.
Comment: The p.S2359L variant (also known as c.7076C>T), located in coding exon 15 of the APC gene, results from a C to T substitution at nucleotide position 7076. The serine at codon 2359 is replaced by leucine, an amino acid with dissimilar properties. This amino acid position is highly conserved in available vertebrate species. In addition, in silico predictors for this gene do not accurately predict pathogenicity. Since supporting evidence is limited at this time, the clinical significance of this alteration remains unclear.

NM_000038.6(APC):c.7076C>T (p.Ser2359Leu)

Gene: APC (APC regulator of Wnt signaling pathway; plus strand). Cytogenetic location: 5q22.2.
Variant type: single nucleotide variant.
Coding change: c.7076C>T on transcript NM_000038.6 (MANE Select); coding-DNA position 7076, C replaced by T.
Protein change: p.Ser2359Leu; replaces serine 2359 with leucine.
Molecular consequence: missense variant.
Genome position (GRCh38, 1-based): chr5:112,842,670, C>T. VCF-style: chr5-112842670-C-T. GRCh37 (hg19) VCF-style: chr5-112178367-C-T.
Other names: c.7076C>T, p.Ser2359Leu (NM_001127510.3, NM_001354895.2, NM_001407450.1); c.7022C>T, p.Ser2341Leu (NM_001127511.3); c.7130C>T, p.Ser2377Leu (NM_001354896.2, NM_001407447.1, NM_001407448.1 and 1 more transcripts); c.7106C>T, p.Ser2369Leu (NM_001354897.2); c.7001C>T, p.Ser2334Leu (NM_001354898.2); c.6992C>T, p.Ser2331Leu (NM_001354899.2); c.6953C>T, p.Ser2318Leu (NM_001354900.2); c.6899C>T, p.Ser2300Leu (NM_001354901.2, NM_001407453.1); and 11 more; short protein forms S1975L, S2230L, S2349L, S2369L, S2268L, S2199L, S2233L, S2258L.
Identifiers: ClinVar variation 1757022 (VCV001757022.3), dbSNP rs1411349043, ClinGen allele CA16036749.
Genomic context (GRCh38, chr5:112,842,670, plus strand): 5'-CTAACAAATTATCTCAACTTCCAAGGACATCATCCCCTAGTACTGCTTCAACTAAGTCCT[C>T]AGGTTCTGGAAAAATGTCATATACATCTCCAGGTAGACAGATGAGCCAACAGAACCTTAC-3'
Protein context (NP_000029.2, residues 2349-2369): SSPSTASTKS[Ser2359Leu]GSGKMSYTSP